The following is an entry in ClinVar:

ClinVar aggregate classification (germline): Benign/Likely benign. Review status: criteria provided, multiple submitters, no conflicts (2 of 4 stars). 4 submissions from 4 submitters: Benign (1); Likely benign (3). Last evaluated 2026-02-03.

Conditions:
Cardiovascular phenotype. Identifiers: MedGen CN230736.
DiGeorge syndrome. Also called: THIRD AND FOURTH PHARYNGEAL POUCH SYNDROME; Catch22. Identifiers: Orphanet 567, MedGen C0012236, MONDO:0008564, OMIM 188400.

Allele frequency attached by ClinVar (database versions not stated): gnomAD 0.00020; TOPMed 0.00027; 1000 Genomes Project 30x 0.00031; ExAC 0.00094.
gnomAD v4.1: 365 of 1,485,154 alleles (0.025%); highest among the groups gnomAD compares: Middle Eastern, 0.043%; no homozygotes.

Submissions (4):

Labcorp Genetics (formerly Invitae), Labcorp
Classification: Benign for DiGeorge syndrome. Last evaluated: 2026-02-03. Review status: criteria provided, single submitter. Criteria: Invitae Variant Classification Sherloc (09022015). Collection method: clinical testing. Allele origin: germline.

Blueprint Genetics
Classification: Likely benign. Last evaluated: 2024-11-07. Review status: criteria provided, single submitter. Criteria: ACMG Guidelines, 2015. Collection method: clinical testing. Allele origin: germline.

CeGaT Center for Human Genetics Tuebingen
Classification: Likely benign. Last evaluated: 2024-04-01. Review status: criteria provided, single submitter. Criteria: CeGaT Center For Human Genetics Tuebingen Variant Classification Criteria Version 2. Collection method: clinical testing. Allele origin: germline. Affected: yes. Observed: 1 variant allele.
Comment: TBX1: BP4, BP7

Ambry Genetics
Classification: Likely benign for Cardiovascular phenotype. Last evaluated: 2018-07-10. Review status: criteria provided, single submitter. Criteria: Ambry Variant Classification Scheme 2023. Collection method: clinical testing. Allele origin: germline.

NM_001379200.1(TBX1):c.1242C>T (p.Pro414=)

Gene: TBX1 (T-box transcription factor 1; plus strand). Cytogenetic location: 22q11.21.
Variant type: single nucleotide variant.
Coding change: c.1242C>T on transcript NM_001379200.1 (MANE Select); coding-DNA position 1242, C replaced by T.
Protein change: p.Pro414=; no amino-acid change (proline 414 retained).
Molecular consequence: synonymous variant. On other transcripts: intron variant (2).
Genome position (GRCh38, 1-based): chr22:19,766,594, C>T. VCF-style: chr22-19766594-C-T. GRCh37 (hg19) VCF-style: chr22-19754117-C-T.
Other names: c.1215C>T, p.Pro405= (NM_080647.1); c.1009+592C>T (NM_005992.1, NM_080646.2).
Identifiers: ClinVar variation 695387 (VCV000695387.33), dbSNP rs200135498, ClinGen allele CA10102677.